The following is an entry in ClinVar:

ClinVar aggregate classification (germline): Uncertain significance. Review status: criteria provided, multiple submitters, no conflicts (2 of 4 stars). 2 submissions from 2 submitters: Uncertain significance (2). Last evaluated 2024-10-22.

Conditions:
Corneal intraepithelial dyskeratosis-palmoplantar hyperkeratosis-laryngeal dyskeratosis syndrome. Also called: Palmoplantar carcinoma, multiple self-healing. Identifiers: Orphanet 352662, MedGen C3808876, MONDO:0014089, OMIM 615225.

gnomAD v4.1: 1 of 1,610,868 alleles (0.000062%); highest among the groups gnomAD compares: Non-Finnish European, 0.000085%; no homozygotes.

Submissions (2):

Labcorp Genetics (formerly Invitae), Labcorp
Classification: Uncertain significance. Last evaluated: 2024-10-22. Review status: criteria provided, single submitter. Criteria: Invitae Variant Classification Sherloc (09022015). Collection method: clinical testing. Allele origin: germline.
Comment: This sequence change affects a donor splice site in intron 7 of the NLRP1 gene. It is expected to disrupt RNA splicing. Variants that disrupt the donor or acceptor splice site typically lead to a loss of protein function (PMID: 16199547), however the current clinical and genetic evidence is not sufficient to establish whether loss-of-function variants in NLRP1 cause disease. This variant is not present in population databases (gnomAD no frequency). This variant has not been reported in the literature in individuals affected with NLRP1-related conditions. ClinVar contains an entry for this variant (Variation ID: 1512598). Algorithms developed to predict the effect of sequence changes on RNA splicing suggest that this variant may disrupt the consensus splice site. In summary, the available evidence is currently insufficient to determine the role of this variant in disease. Therefore, it has been classified as a Variant of Uncertain Significance.

Genomic Medicine Center of Excellence, King Faisal Specialist Hospital and Research Centre
Classification: Uncertain significance for Corneal intraepithelial dyskeratosis-palmoplantar hyperkeratosis-laryngeal dyskeratosis syndrome. Last evaluated: 2024-04-04. Review status: criteria provided, single submitter. Criteria: ACMG Guidelines, 2015. Collection method: clinical testing. Allele origin: germline.

Literature cited by the submitters: PubMed 16199547 (cited by Labcorp Genetics (formerly Invitae), Labcorp).

NM_033004.4(NLRP1):c.2870+1G>A

Gene: NLRP1 (NLR family pyrin domain containing 1; minus strand). Cytogenetic location: 17p13.2.
Variant type: single nucleotide variant.
Coding change: c.2870+1G>A on transcript NM_033004.4 (MANE Select); the canonical splice donor site of the intron after coding-DNA position 2870, G replaced by A.
Molecular consequence: splice donor variant.
Genome position (GRCh38, 1-based): chr17:5,539,414, C>T on the plus strand (G>A on the coding strand, the complement: NLRP1 is on the minus strand). VCF-style: chr17-5539414-C-T. GRCh37 (hg19) VCF-style: chr17-5442734-C-T.
Other names: c.2870+1G>A (NM_001033053.3, NM_033007.4, NM_033006.4 and 1 more transcripts).
Identifiers: ClinVar variation 1512598 (VCV001512598.9), dbSNP rs2151770656, ClinGen allele CA397376837.